The following is an entry in ClinVar:

ClinVar aggregate classification (germline): Uncertain significance. Review status: criteria provided, multiple submitters, no conflicts (2 of 4 stars). 2 submissions from 2 submitters: Uncertain significance (2). Last evaluated 2024-10-01.

Conditions:
PMM2-congenital disorder of glycosylation. Also called: Congenital disorder of glycosylation, type Ia; CDG Ia; CARBOHYDRATE-DEFICIENT GLYCOPROTEIN SYNDROME, TYPE Ia; JAEKEN SYNDROME; PHOSPHOMANNOMUTASE 2 DEFICIENCY; PMM2-CDG. Identifiers: Orphanet 79318, MedGen C0349653, MONDO:0008907, OMIM 212065.

Allele frequency attached by ClinVar (database versions not stated): gnomAD exomes 0.00001; TOPMed 0.00002; ExAC 0.00003.
gnomAD v4.1: 14 of 1,577,724 alleles (0.00089%); highest among the groups gnomAD compares: Non-Finnish European, 0.00086%; no homozygotes.

Submissions (2):

GeneDx
Classification: Uncertain significance. Last evaluated: 2024-10-01. Review status: criteria provided, single submitter. Criteria: GeneDx Variant Classification Process June 2021. Collection method: clinical testing. Allele origin: germline. Affected: yes.
Comment: Has not been previously published as pathogenic or benign to our knowledge; Not observed at significant frequency in large population cohorts (gnomAD); In silico analysis supports that this missense variant has a deleterious effect on protein structure/function

Labcorp Genetics (formerly Invitae), Labcorp
Classification: Uncertain significance for PMM2-congenital disorder of glycosylation. Last evaluated: 2021-08-30. Review status: criteria provided, single submitter. Criteria: Invitae Variant Classification Sherloc (09022015). Collection method: clinical testing. Allele origin: germline.
Comment: This sequence change replaces serine with arginine at codon 135 of the PMM2 protein (p.Ser135Arg). The serine residue is moderately conserved and there is a moderate physicochemical difference between serine and arginine. This variant is present in population databases (rs757850048, ExAC 0.006%). This variant has not been reported in the literature in individuals affected with PMM2-related conditions. Algorithms developed to predict the effect of missense changes on protein structure and function are either unavailable or do not agree on the potential impact of this missense change (SIFT: "Deleterious"; PolyPhen-2: "Possibly Damaging"; Align-GVGD: "Class C0"). In summary, the available evidence is currently insufficient to determine the role of this variant in disease. Therefore, it has been classified as a Variant of Uncertain Significance.

NM_000303.3(PMM2):c.405C>A (p.Ser135Arg)

Gene: PMM2 (phosphomannomutase 2; plus strand). Cytogenetic location: 16p13.2.
Variant type: single nucleotide variant.
Coding change: c.405C>A on transcript NM_000303.3 (MANE Select); coding-DNA position 405, C replaced by A.
Protein change: p.Ser135Arg; replaces serine 135 with arginine.
Molecular consequence: missense variant.
Genome position (GRCh38, 1-based): chr16:8,811,136, C>A. VCF-style: chr16-8811136-C-A. GRCh37 (hg19) VCF-style: chr16-8904993-C-A.
Other names: c.405C>A (NM_000303.2); short protein forms S135R.
Identifiers: ClinVar variation 2166084 (VCV002166084.2), dbSNP rs757850048, ClinGen allele CA7894047.